The following is an entry in ClinVar:

ClinVar aggregate classification (germline): Likely pathogenic. Review status: criteria provided, multiple submitters, no conflicts (2 of 4 stars). 4 submissions from 4 submitters: Likely pathogenic (2). 2 of the submissions do not count toward it. Last evaluated 2023-11-20.

Conditions:
Perrault syndrome. Also called: Gonadal dysgenesis with auditory dysfunction, autosomal recessive inheritance. Identifiers: Orphanet 2855, MedGen C0685838, MONDO:0017312.
Bifunctional peroxisomal enzyme deficiency (DBIF). Also called: PBFE DEFICIENCY; DBP DEFICIENCY; D-bifunctional protein deficiency. Identifiers: Orphanet 300, MedGen C0342870, MONDO:0009855, OMIM 261515. Disease mechanism: loss of function.
Perrault syndrome 1 (PRLTS1). Also called: GONADAL DYSGENESIS, XX TYPE, WITH DEAFNESS; OVARIAN DYSGENESIS WITH SENSORINEURAL DEAFNESS. Identifiers: Orphanet 2855, Orphanet 642945, MedGen C4551721, MONDO:0009300, OMIM 233400.

Submissions (4):

Labcorp Genetics (formerly Invitae), Labcorp
Classification: Likely pathogenic for Perrault syndrome; Bifunctional peroxisomal enzyme deficiency. Last evaluated: 2023-11-20. Review status: criteria provided, single submitter. Criteria: Invitae Variant Classification Sherloc (09022015). Collection method: clinical testing. Allele origin: germline.
Comment: This sequence change replaces alanine, which is neutral and non-polar, with serine, which is neutral and polar, at codon 100 of the HSD17B4 protein (p.Ala100Ser). This variant is not present in population databases (gnomAD no frequency). This missense change has been observed in individual(s) with Perrault syndrome (PMID: 28830375). It has also been observed to segregate with disease in related individuals. ClinVar contains an entry for this variant (Variation ID: 556974). Advanced modeling of protein sequence and biophysical properties (such as structural, functional, and spatial information, amino acid conservation, physicochemical variation, residue mobility, and thermodynamic stability) performed at Invitae indicates that this missense variant is expected to disrupt HSD17B4 protein function with a positive predictive value of 80%. In summary, the currently available evidence indicates that the variant is pathogenic, but additional data are needed to prove that conclusively. Therefore, this variant has been classified as Likely Pathogenic.

Juno Genomics, Hangzhou Juno Genomics, Inc
Classification: Likely pathogenic for Bifunctional peroxisomal enzyme deficiency; Perrault syndrome 1. Review status: criteria provided, single submitter. Criteria: ACMG Guidelines, 2015. Collection method: clinical testing. Allele origin: germline.
Comment: Absent from controls (or at extremely low frequency if recessive) in Genome Aggregation Database.;Multiple lines of computational evidence support a deleterious effect on the gene or gene product.;For recessive disorders, detected in trans with a pathogenic variant.;Patient's phenotype or family history is highly specific for a disease with a single genetic etiology.;Co-segregation with disease in multiple affected family members.

Counsyl
Classification: Uncertain significance for Bifunctional peroxisomal enzyme deficiency. Last evaluated: 2018-03-01. Review status: no assertion criteria provided. Collection method: clinical testing. Allele origin: unknown. Not counted in ClinVar's aggregate classification.

GeneReviews
No classification provided. Condition: Perrault syndrome. Review status: no classification provided. Collection method: literature only. Allele origin: germline. Not counted in ClinVar's aggregate classification.

Literature cited by the submitters: PubMed 28830375 (cited by 3 submitters).

NM_000414.4(HSD17B4):c.298G>T (p.Ala100Ser)

Gene: HSD17B4 (hydroxysteroid 17-beta dehydrogenase 4; plus strand). Cytogenetic location: 5q23.1.
Variant type: single nucleotide variant.
Coding change: c.298G>T on transcript NM_000414.4 (MANE Select); coding-DNA position 298, G replaced by T.
Protein change: p.Ala100Ser; replaces alanine 100 with serine.
Molecular consequence: missense variant. On other transcripts: 5 prime UTR variant (1).
Genome position (GRCh38, 1-based): chr5:119,475,723, G>T. VCF-style: chr5-119475723-G-T. GRCh37 (hg19) VCF-style: chr5-118811418-G-T.
Other names: c.373G>T, p.Ala125Ser (NM_001199291.3); c.244G>T, p.Ala82Ser (NM_001199292.2); c.226G>T, p.Ala76Ser (NM_001292027.2); c.-114G>T (NM_001292028.2); short protein forms A100S, A125S, A76S, A82S.
Identifiers: ClinVar variation 556974 (VCV000556974.9), dbSNP rs1554062352, ClinGen allele CA360864901.